The following is an entry in ClinVar:

NM_177438.3(DICER1):c.1755C>T (p.Ile585=)

Gene: DICER1 (dicer 1, ribonuclease III; minus strand). Cytogenetic location: 14q32.13.
Variant type: single nucleotide variant.
Coding change: c.1755C>T on transcript NM_177438.3 (MANE Select); coding-DNA position 1755, C replaced by T.
Protein change: p.Ile585=; no amino-acid change (isoleucine 585 retained).
Molecular consequence: synonymous variant. On other transcripts: non-coding transcript variant (6).
Genome position (GRCh38, 1-based): chr14:95,115,819, G>A on the plus strand (C>T on the coding strand, the complement: DICER1 is on the minus strand). VCF-style: chr14-95115819-G-A. GRCh37 (hg19) VCF-style: chr14-95582156-G-A.
Other names: c.1755C>T, p.Ile585= (NM_001195573.1, NM_001271282.3, NM_001291628.2 and 13 more transcripts); c.1473C>T, p.Ile491= (NM_001395686.1); c.1350C>T, p.Ile450= (NM_001395687.1, NM_001395688.1, NM_001395689.1 and 3 more transcripts); c.1188C>T, p.Ile396= (NM_001395691.1); c.72C>T, p.Ile24= (NM_001395697.1).
Identifiers: ClinVar variation 1930783 (VCV001930783.7), dbSNP rs1595407299, ClinGen allele CA487631113.
Genomic context (GRCh38, chr14:95,115,819, plus strand): 5'-CATGACAGGATCAATGTCAGTCTCACCAGTATCAACCGACTTGGAACACTTGTTTCTCAA[G>A]ATCTGAACATTTAAAAAACAGAACTTATGATGAAAACACATCCTCTCTGCTGTATGCTGT-3'
Protein context (NP_803187.1, residues 575-595): DLKTYKAIEK[Ile585=]LRNKCSKSVD

ClinVar aggregate classification (germline): Benign/Likely benign. Review status: criteria provided, multiple submitters, no conflicts (2 of 4 stars). 3 submissions from 3 submitters: Benign (1); Likely benign (2). Last evaluated 2026-08-17.

Conditions:
DICER1-related tumor predisposition. Also called: DICER1-related pleuropulmonary blastoma cancer predisposition syndrome; DICER1 syndrome. Identifiers: Orphanet 284343, MedGen C3839822, MONDO:0100216.
Hereditary cancer-predisposing syndrome. Also called: Neoplastic Syndromes, Hereditary; Tumor predisposition; Hereditary Cancer Syndrome; Hereditary neoplastic syndrome. Identifiers: Orphanet 140162, MedGen C0027672, MeSH D009386, MONDO:0015356.

Allele frequency attached by ClinVar (database versions not stated): gnomAD exomes below 0.00001.
gnomAD v4.1: 1 of 1,614,054 alleles (0.000062%); highest among the groups gnomAD compares: African/African-American, 0.0013%; no homozygotes.

Submissions (3):

Myriad Genetics, Inc.
Classification: Benign for DICER1-related tumor predisposition. Last evaluated: 2026-08-17. Review status: criteria provided, single submitter. Criteria: Myriad Autosomal Dominant, Autosomal Recessive and X-Linked Classification Criteria (2023). Collection method: clinical testing. Allele origin: unknown.
Comment: This variant is considered benign. This variant is a silent/synonymous amino acid change and it is not expected to impact splicing.

Ambry Genetics
Classification: Likely benign for Hereditary cancer-predisposing syndrome. Last evaluated: 2025-01-08. Review status: criteria provided, single submitter. Criteria: Ambry Variant Classification Scheme 2023. Collection method: clinical testing. Allele origin: germline.

Labcorp Genetics (formerly Invitae), Labcorp
Classification: Likely benign for DICER1-related tumor predisposition. Last evaluated: 2023-03-09. Review status: criteria provided, single submitter. Criteria: Invitae Variant Classification Sherloc (09022015). Collection method: clinical testing. Allele origin: germline.